The following is an entry in ClinVar:

NM_003900.5(SQSTM1):c.37A>G (p.Lys13Glu)

Gene: SQSTM1 (sequestosome 1; plus strand). Cytogenetic location: 5q35.3.
Variant type: single nucleotide variant.
Coding change: c.37A>G on transcript NM_003900.5 (MANE Select); coding-DNA position 37, A replaced by G.
Protein change: p.Lys13Glu; replaces lysine 13 with glutamic acid.
Molecular consequence: missense variant. On other transcripts: intron variant (2).
Genome position (GRCh38, 1-based): chr5:179,820,973, A>G. VCF-style: chr5-179820973-A-G. GRCh37 (hg19) VCF-style: chr5-179247973-A-G.
Other names: c.-47-1985A>G (NM_001142298.2, NM_001142299.2); short protein forms K13E.
Identifiers: ClinVar variation 2938478 (VCV002938478.3), dbSNP rs2480198674, ClinGen allele CA362442076.

ClinVar aggregate classification (germline): Uncertain significance (1 of 4 stars; one submission).

Conditions:
Paget disease of bone 2, early-onset (PDB2). Also called: Paget disease of bone 2. Identifiers: MedGen C4085251, MONDO:0011183, OMIM 602080.
Frontotemporal dementia and/or amyotrophic lateral sclerosis 1 (FTDALS1). Also called: C9orf72 Frontotemporal Dementia and/or Amyotrophic Lateral Sclerosis; Frontotemporal dementia with motor neuron disease 1. Identifiers: Orphanet 275872, MedGen C5779877, MONDO:0007105, OMIM 105550.

Allele frequency attached by ClinVar (database versions not stated): gnomAD exomes below 0.00001.
gnomAD v4.1: 1 of 1,575,548 alleles (0.000063%); highest among the groups gnomAD compares: Non-Finnish European, 0.000085%; no homozygotes.

Submission:

Labcorp Genetics (formerly Invitae), Labcorp
Classification: Uncertain significance for Paget disease of bone 2, early-onset; Frontotemporal dementia and/or amyotrophic lateral sclerosis 1. Last evaluated: 2023-02-24. Review status: criteria provided, single submitter. Criteria: Invitae Variant Classification Sherloc (09022015). Collection method: clinical testing. Allele origin: germline.
Comment: This sequence change replaces lysine, which is basic and polar, with glutamic acid, which is acidic and polar, at codon 13 of the SQSTM1 protein (p.Lys13Glu). This variant is not present in population databases (gnomAD no frequency). This variant has not been reported in the literature in individuals affected with SQSTM1-related conditions. An algorithm developed to predict the effect of missense changes on protein structure and function (PolyPhen-2) suggests that this variant is likely to be disruptive. In summary, the available evidence is currently insufficient to determine the role of this variant in disease. Therefore, it has been classified as a Variant of Uncertain Significance.